The following is an entry in ClinVar:

NM_005762.3(TRIM28):c.399T>C (p.Tyr133=)

Gene: TRIM28 (tripartite motif containing 28; plus strand). Cytogenetic location: 19q13.43.
Variant type: single nucleotide variant.
Coding change: c.399T>C on transcript NM_005762.3 (MANE Select); coding-DNA position 399, T replaced by C.
Protein change: p.Tyr133=; no amino-acid change (tyrosine 133 retained).
Molecular consequence: synonymous variant.
Genome position (GRCh38, 1-based): chr19:58,545,483, T>C. VCF-style: chr19-58545483-T-C. GRCh37 (hg19) VCF-style: chr19-59056850-T-C.
Identifiers: ClinVar variation 3627515 (VCV003627515.2).

ClinVar aggregate classification (germline): Uncertain significance (1 of 4 stars; one submission).

gnomAD v4.1: 20 of 1,612,748 alleles (0.0012%); highest among the groups gnomAD compares: Non-Finnish European, 0.0014%; no homozygotes.

Submission:

Labcorp Genetics (formerly Invitae), Labcorp
Classification: Uncertain significance. Last evaluated: 2024-06-25. Review status: criteria provided, single submitter. Criteria: Invitae Variant Classification Sherloc (09022015). Collection method: clinical testing. Allele origin: germline.
Comment: This sequence change affects codon 133 of the TRIM28 mRNA. It is a 'silent' change, meaning that it does not change the encoded amino acid sequence of the TRIM28 protein. This variant is present in population databases (rs760166305, gnomAD 0.003%). This variant has not been reported in the literature in individuals affected with TRIM28-related conditions. Experimental studies and prediction algorithms are not available or were not evaluated, and the functional significance of this variant is currently unknown. In summary, the available evidence is currently insufficient to determine the role of this variant in disease. Therefore, it has been classified as a Variant of Uncertain Significance.